The following is an entry in ClinVar:

ClinVar aggregate classification (germline): Uncertain significance (0 of 4 stars; one submission).

Conditions:
RAX2-related disorder. Also called: RAX2-related condition; RAX2-related disorders.

gnomAD v4.1: 34 of 1,527,702 alleles (0.0022%); highest among the groups gnomAD compares: Non-Finnish European, 0.0027%; no homozygotes.

Submission:

PreventionGenetics, part of Exact Sciences
Classification: Uncertain significance for RAX2-related condition. Last evaluated: 2024-09-16. Review status: no assertion criteria provided. Collection method: clinical testing. Allele origin: germline.
Comment: The RAX2 c.334C>A variant is predicted to result in the amino acid substitution p.Pro112Thr. To our knowledge, this variant has not been reported in the literature or in the large population database gnomAD, indicating this variant is rare. At this time, the clinical significance of this variant is uncertain due to the absence of conclusive functional and genetic evidence.

NM_001319074.4(RAX2):c.334C>A (p.Pro112Thr)

Gene: RAX2 (retina and anterior neural fold homeobox 2; minus strand). Cytogenetic location: 19p13.3.
Variant type: single nucleotide variant.
Coding change: c.334C>A on transcript NM_001319074.4 (MANE Select); coding-DNA position 334, C replaced by A.
Protein change: p.Pro112Thr; replaces proline 112 with threonine.
Molecular consequence: missense variant.
Genome position (GRCh38, 1-based): chr19:3,770,842, G>T on the plus strand (C>A on the coding strand, the complement: RAX2 is on the minus strand). VCF-style: chr19-3770842-G-T. GRCh37 (hg19) VCF-style: chr19-3770840-G-T.
Other names: c.334C>A, p.Pro112Thr (NM_032753.4); short protein forms P112T.
Identifiers: ClinVar variation 3358366 (VCV003358366.1).
Genomic context (GRCh38, chr19:3,770,842, plus strand): 5'-GGCCTGGCACGGCCGGCGGTCCGGGGCCCAACCAGGGCTCCAGGGGCAGCGACATGGCCG[G>T]GGGGCGGGCGAACGGCAGCGCTGGGGCCTCGGGGAGTCTCGGAGCTGCCACGGCACCCGA-3'
Protein context (NP_001306003.2, residues 102-122): EAPALPFARP[Pro112Thr]AMSLPLEPWL